The following is an entry in ClinVar:

NM_006904.7(PRKDC):c.3409A>G (p.Ile1137Val)

Gene: PRKDC (protein kinase, DNA-activated, catalytic subunit; minus strand). Cytogenetic location: 8q11.21.
Variant type: single nucleotide variant.
Coding change: c.3409A>G on transcript NM_006904.7 (MANE Select); coding-DNA position 3409, A replaced by G.
Protein change: p.Ile1137Val; replaces isoleucine 1137 with valine.
Molecular consequence: missense variant.
Genome position (GRCh38, 1-based): chr8:47,898,525, T>C on the plus strand (A>G on the coding strand, the complement: PRKDC is on the minus strand). VCF-style: chr8-47898525-T-C. GRCh37 (hg19) VCF-style: chr8-48811085-T-C.
Other names: c.3409A>G, p.Ile1137Val (NM_001081640.2); short protein forms I1137V.
Identifiers: ClinVar variation 2497404 (VCV002497404.2), dbSNP rs755294856, ClinGen allele CA4741187.
Genomic context (GRCh38, chr8:47,898,525, plus strand): 5'-CCTACCGCGGCAAACGTCGTTTCTTTGCTTTATTTAAAGAAACATGCTTCTTTTCAATGA[T>C]GCGGCATAGGTGATCAATGGCATCACAACACTGTTGAATTGTACCTGTTCTCAAGTACAG-3'
Protein context (NP_008835.5, residues 1127-1147): CCDAIDHLCR[Ile1137Val]IEKKHVSLNK

ClinVar aggregate classification (germline): Uncertain significance (1 of 4 stars; one submission).

Allele frequency attached by ClinVar (database versions not stated): gnomAD exomes below 0.00001; gnomAD 0.00001; ExAC 0.00003.
gnomAD v4.1: 2 of 1,564,070 alleles (0.00013%); highest among the groups gnomAD compares: African/African-American, 0.0027%; no homozygotes.

Submission:

Ambry Genetics
Classification: Uncertain significance. Last evaluated: 2022-12-03. Review status: criteria provided, single submitter. Criteria: Ambry Variant Classification Scheme 2023. Collection method: clinical testing. Allele origin: germline.
Comment: The p.I1137V variant (also known as c.3409A>G), located in coding exon 29 of the PRKDC gene, results from an A to G substitution at nucleotide position 3409. The isoleucine at codon 1137 is replaced by valine, an amino acid with highly similar properties. This amino acid position is conserved. In addition, this alteration is predicted to be tolerated by in silico analysis. Since supporting evidence is limited at this time, the clinical significance of this alteration remains unclear.